The following is an entry in ClinVar:

ClinVar aggregate classification (germline): Uncertain significance (1 of 4 stars; one submission).

Allele frequency attached by ClinVar (database versions not stated): ExAC 0.00001; TOPMed 0.00001.

Submission:

Labcorp Genetics (formerly Invitae), Labcorp
Classification: Uncertain significance. Last evaluated: 2024-07-22. Review status: criteria provided, single submitter. Criteria: Invitae Variant Classification Sherloc (09022015). Collection method: clinical testing. Allele origin: germline.
Comment: This sequence change replaces leucine, which is neutral and non-polar, with phenylalanine, which is neutral and non-polar, at codon 96 of the ARSG protein (p.Leu96Phe). This variant is present in population databases (rs781555327, gnomAD 0.01%). This variant has not been reported in the literature in individuals affected with ARSG-related conditions. ClinVar contains an entry for this variant (Variation ID: 2115962). Advanced modeling of protein sequence and biophysical properties (such as structural, functional, and spatial information, amino acid conservation, physicochemical variation, residue mobility, and thermodynamic stability) performed at Invitae indicates that this missense variant is expected to disrupt ARSG protein function with a positive predictive value of 80%. In summary, the available evidence is currently insufficient to determine the role of this variant in disease. Therefore, it has been classified as a Variant of Uncertain Significance.

NM_001267727.2(ARSG):c.286C>T (p.Leu96Phe)

Gene: ARSG (arylsulfatase G; plus strand). Cytogenetic location: 17q24.2.
Variant type: single nucleotide variant.
Coding change: c.286C>T on transcript NM_001267727.2 (MANE Select); coding-DNA position 286, C replaced by T.
Protein change: p.Leu96Phe; replaces leucine 96 with phenylalanine.
Molecular consequence: missense variant.
Genome position (GRCh38, 1-based): chr17:68,343,671, C>T. VCF-style: chr17-68343671-C-T. GRCh37 (hg19) VCF-style: chr17-66339812-C-T.
Other names: c.286C>T, p.Leu96Phe (NM_001352899.2, NM_001352900.2, NM_001352901.2 and 9 more transcripts); short protein forms L96F.
Identifiers: ClinVar variation 2115962 (VCV002115962.3), dbSNP rs781555327, ClinGen allele CA8728156.